The following is an entry in ClinVar:

ClinVar aggregate classification (germline): Uncertain significance. Review status: criteria provided, multiple submitters, no conflicts (2 of 4 stars). 3 submissions from 3 submitters: Uncertain significance (3). Last evaluated 2025-07-10.

Conditions:
Arrhythmogenic right ventricular cardiomyopathy (ARVD). Also called: Cardiomyopathy, ARVC; Arrhythmogenic cardiomyopathy; Arrhythmogenic Right Ventricular Cardiomyopathy (ARVC); Arrhythmogenic right ventricular dysplasia. Identifiers: Orphanet 247, MedGen C0349788, MeSH D019571, MONDO:0016587. Disease mechanism: loss of function. Inheritance: Various modes of inheritance.
Cardiomyopathy (CMYO). Also called: Cardiomyopathies. Identifiers: Orphanet 167848, MedGen C0878544, MONDO:0004994, HP:0001638. Inheritance: Various modes of inheritance.
Arrhythmogenic right ventricular dysplasia 10. Also called: ARRHYTHMOGENIC RIGHT VENTRICULAR DYSPLASIA, FAMILIAL, 10; Arrhythmogenic Right Ventricular Dysplasia/Cardiomyopathy10; Arrhythmogenic right ventricular dysplasia/cardiomyopathy, type 10. Identifiers: MedGen C1857777, MONDO:0012434, OMIM 610193.

Allele frequency attached by ClinVar (database versions not stated): gnomAD exomes below 0.00001; TOPMed below 0.00001; ExAC 0.00001.
gnomAD v4.1: 2 of 1,614,152 alleles (0.00012%); highest among the groups gnomAD compares: Admixed American, 0.0033%; no homozygotes.

Submissions (3):

Color Diagnostics, LLC DBA Color Health
Classification: Uncertain significance for Cardiomyopathy. Last evaluated: 2025-07-10. Review status: criteria provided, single submitter. Criteria: ACMG Guidelines, 2015. Collection method: clinical testing. Allele origin: germline.
Comment: This missense variant replaces glycine with glutamic acid at codon 688 of the DSG2 protein. Computational prediction suggests that this variant may not impact protein structure and function. To our knowledge, functional studies have not been reported for this variant. This variant has not been reported in individuals affected with DSG2-related disorders in the literature. This variant has been identified in 2/249380 chromosomes in the general population by the Genome Aggregation Database (gnomAD). The available evidence is insufficient to determine the role of this variant in disease conclusively. Therefore, this variant is classified as a Variant of Uncertain Significance.

All of Us Research Program, National Institutes of Health
Classification: Uncertain significance for Arrhythmogenic right ventricular cardiomyopathy. Last evaluated: 2023-03-28. Review status: criteria provided, single submitter. Criteria: ACMG Guidelines, 2015. Collection method: clinical testing. Allele origin: germline. Inheritance: Autosomal dominant inheritance. Observed: 1 variant allele, 1 heterozygote.
Comment: This missense variant replaces glycine with glutamic acid at codon 688 of the DSG2 protein. Computational prediction suggests that this variant may not impact protein structure and function (internally defined REVEL score threshold <= 0.5, PMID: 27666373). To our knowledge, functional studies have not been reported for this variant. This variant has not been reported in individuals affected with cardiovascular disorders in the literature. This variant has been identified in 2/249380 chromosomes in the general population by the Genome Aggregation Database (gnomAD). The available evidence is insufficient to determine the role of this variant in disease conclusively. Therefore, this variant is classified as a Variant of Uncertain Significance.

This study involves interpretation of variants in research participants for the purpose of population health screening. Participant phenotype was not available at the time of variant classification. Additional details can be found in publication PMID: 35346344, PMCID: PMC8962531

Labcorp Genetics (formerly Invitae), Labcorp
Classification: Uncertain significance for Arrhythmogenic right ventricular dysplasia 10. Last evaluated: 2022-12-06. Review status: criteria provided, single submitter. Criteria: Invitae Variant Classification Sherloc (09022015). Collection method: clinical testing. Allele origin: germline.
Comment: This sequence change replaces glycine, which is neutral and non-polar, with glutamic acid, which is acidic and polar, at codon 688 of the DSG2 protein (p.Gly688Glu). This variant is present in population databases (rs780303998, gnomAD 0.006%). This variant has not been reported in the literature in individuals affected with DSG2-related conditions. Advanced modeling of protein sequence and biophysical properties (such as structural, functional, and spatial information, amino acid conservation, physicochemical variation, residue mobility, and thermodynamic stability) performed at Invitae indicates that this missense variant is not expected to disrupt DSG2 protein function. In summary, the available evidence is currently insufficient to determine the role of this variant in disease. Therefore, it has been classified as a Variant of Uncertain Significance.

NM_001943.5(DSG2):c.2063G>A (p.Gly688Glu)

Genes: DSG2-AS1 (DSG2 antisense RNA 1; minus strand), DSG2 (desmoglein 2; plus strand). Cytogenetic location: 18q12.1.
Variant type: single nucleotide variant.
Coding change: c.2063G>A on transcript NM_001943.5 (MANE Select); coding-DNA position 2063, G replaced by A.
Protein change: p.Gly688Glu; replaces glycine 688 with glutamic acid.
Molecular consequence: missense variant.
Genome position (GRCh38, 1-based): chr18:31,542,581, G>A. VCF-style: chr18-31542581-G-A. GRCh37 (hg19) VCF-style: chr18-29122544-G-A.
Other names: short protein forms G688E.
Identifiers: ClinVar variation 2052727 (VCV002052727.6), dbSNP rs780303998, ClinGen allele CA044768.
Genomic context (GRCh38, chr18:31,542,581, plus strand): 5'-TGGTGCCATCATTTCTGCCAGTGGATCAAGGGGGCAGTCTAGTAGGAAGAAATGGAGTAG[G>A]AGGTATGGCCAAGGAAGCCACGATGAAAGGAAGTAGCTCTGCTTCCATTGTCAAAGGGCA-3'
Protein context (NP_001934.2, residues 678-698): GGSLVGRNGV[Gly688Glu]GMAKEATMKG